The following is an entry in ClinVar:

ClinVar aggregate classification (germline): Uncertain significance (1 of 4 stars; one submission).

Submission:

Greenwood Genetic Center Diagnostic Laboratories, Greenwood Genetic Center
Classification: Uncertain significance. Last evaluated: 2025-10-29. Review status: criteria provided, single submitter. Criteria: ACMG Guidelines, 2015. Collection method: clinical testing. Allele origin: germline. Affected: yes.
Comment: PM2, BP4

NM_006767.4(LZTR1):c.*1425T>G

Gene: LZTR1 (leucine zipper like post translational regulator 1; plus strand). Cytogenetic location: 22q11.21.
Variant type: single nucleotide variant.
Coding change: c.*1425T>G on transcript NM_006767.4 (MANE Select); 1425 bases downstream of the stop codon, T replaced by G.
Molecular consequence: 3 prime UTR variant.
Genome position (GRCh38, 1-based): chr22:20,998,773, T>G. VCF-style: chr22-20998773-T-G. GRCh37 (hg19) VCF-style: chr22-21353062-T-G.
Identifiers: ClinVar variation 4845433 (VCV004845433.1).